The following is an entry in ClinVar:

ClinVar aggregate classification (germline): Uncertain significance (1 of 4 stars; one submission).

Conditions:
Nemaline myopathy 2 (NEM2). Also called: Nemaline myopathy 2, autosomal recessive. Identifiers: MedGen C1850569, MONDO:0009725, OMIM 256030.

Submission:

Labcorp Genetics (formerly Invitae), Labcorp
Classification: Uncertain significance for Nemaline myopathy 2. Last evaluated: 2018-05-05. Review status: criteria provided, single submitter. Criteria: Invitae Variant Classification Sherloc (09022015). Collection method: clinical testing. Allele origin: germline.
Comment: In summary, the available evidence is currently insufficient to determine the role of this variant in disease. Therefore, it has been classified as a Variant of Uncertain Significance. Algorithms developed to predict the effect of missense changes on protein structure and function do not agree on the potential impact of this missense change (SIFT: "Deleterious"; Align-GVGD: "Class C0"). This variant has not been reported in the literature in individuals with NEB-related disease. This variant is not present in population databases (ExAC no frequency). This sequence change replaces asparagine with isoleucine at codon 3964 of the NEB protein (p.Asn3964Ile). The asparagine residue is moderately conserved and there is a large physicochemical difference between asparagine and isoleucine.

NM_001164508.2(NEB):c.11891A>T (p.Asn3964Ile)

Gene: NEB (nebulin; minus strand). Cytogenetic location: 2q23.3.
Variant type: single nucleotide variant.
Coding change: c.11891A>T on transcript NM_001164508.2 (MANE Select); coding-DNA position 11891, A replaced by T.
Protein change: p.Asn3964Ile; replaces asparagine 3964 with isoleucine.
Molecular consequence: missense variant.
Genome position (GRCh38, 1-based): chr2:151,610,781, T>A on the plus strand (A>T on the coding strand, the complement: NEB is on the minus strand). VCF-style: chr2-151610781-T-A. GRCh37 (hg19) VCF-style: chr2-152467295-T-A.
Other names: c.11891A>T, p.Asn3964Ile (NM_001164507.2, NM_001271208.2); c.11162A>T, p.Asn3721Ile (NM_004543.5); short protein forms N3964I, N3721I.
Identifiers: ClinVar variation 581520 (VCV000581520.8), dbSNP rs1560398552, ClinGen allele CA348779532.